The following is an entry in ClinVar:

ClinVar aggregate classification (germline): Uncertain significance (1 of 4 stars; one submission).

Conditions:
Epidermolysis bullosa simplex with nail dystrophy (EBS5D). Identifiers: MedGen C4225309, MONDO:0014661, OMIM 616487.
Epidermolysis bullosa simplex, Ogna type (EBS5A). Also called: EPIDERMOLYSIS BULLOSA SIMPLEX 5A, OGNA TYPE; Pidermolysis bullosa simplex 5A, Ogna type. Identifiers: Orphanet 79401, MedGen C0432317, MONDO:0007555, OMIM 131950.
Epidermolysis bullosa simplex 5C, with pyloric atresia (EBS5C). Also called: PLEC1-Related Epidermolysis Bullosa with Pyloric Atresia; PLEC-Related Epidermolysis Bullosa with Pyloric Atresia; Epidermolysis bullosa simplex with pyloric atresia. Identifiers: Orphanet 158684, MedGen C2677349, MONDO:0012807, OMIM 612138.
Autosomal recessive limb-girdle muscular dystrophy type 2Q (LGMDR17). Also called: MUSCULAR DYSTROPHY, LIMB-GIRDLE, AUTOSOMAL RECESSIVE 17. Identifiers: Orphanet 254361, MedGen C3150989, MONDO:0013390, OMIM 613723.
Epidermolysis bullosa simplex 5B, with muscular dystrophy (EBS5B). Also called: EPIDERMOLYSIS BULLOSA SIMPLEX AND LIMB-GIRDLE MUSCULAR DYSTROPHY; Epidermolysis bullosa simplex with muscular dystrophy. Identifiers: Orphanet 257, MedGen C2931072, MONDO:0009181, OMIM 226670.

gnomAD v4.1: 14 of 1,612,642 alleles (0.00087%); highest among the groups gnomAD compares: East Asian, 0.0045%; no homozygotes.

Submission:

Labcorp Genetics (formerly Invitae), Labcorp
Classification: Uncertain significance for Autosomal recessive limb-girdle muscular dystrophy type 2Q; Epidermolysis bullosa simplex, Ogna type; Epidermolysis bullosa simplex with nail dystrophy; Epidermolysis bullosa simplex 5C, with pyloric atresia; Epidermolysis bullosa simplex 5B, with muscular dystrophy. Last evaluated: 2025-01-15. Review status: criteria provided, single submitter. Criteria: Invitae Variant Classification Sherloc (09022015). Collection method: clinical testing. Allele origin: germline.
Comment: This sequence change affects codon 686 of the PLEC mRNA. It is a 'silent' change, meaning that it does not change the encoded amino acid sequence of the PLEC protein. It affects a nucleotide within the consensus splice site. This variant is present in population databases (rs536284705, gnomAD 0.02%). This variant has not been reported in the literature in individuals affected with PLEC-related conditions. ClinVar contains an entry for this variant (Variation ID: 2924043). Algorithms developed to predict the effect of sequence changes on RNA splicing suggest that this variant may disrupt the consensus splice site. In summary, the available evidence is currently insufficient to determine the role of this variant in disease. Therefore, it has been classified as a Variant of Uncertain Significance.

NM_201384.3(PLEC):c.1977G>A (p.Ser659=)

Gene: PLEC (plectin; minus strand). Cytogenetic location: 8q24.3.
Variant type: single nucleotide variant.
Coding change: c.1977G>A on transcript NM_201384.3 (MANE Select); coding-DNA position 1977, G replaced by A.
Protein change: p.Ser659=; no amino-acid change (serine 659 retained).
Molecular consequence: synonymous variant.
Genome position (GRCh38, 1-based): chr8:143,932,400, C>T on the plus strand (G>A on the coding strand, the complement: PLEC is on the minus strand). VCF-style: chr8-143932400-C-T. GRCh37 (hg19) VCF-style: chr8-145006568-C-T.
Other names: c.2058G>A, p.Ser686= (NM_000445.5, NM_001410941.1); c.1935G>A, p.Ser645= (NM_201378.4); c.1911G>A, p.Ser637= (NM_201379.3); c.2388G>A, p.Ser796= (NM_201380.4); c.1881G>A, p.Ser627= (NM_201381.3); c.1977G>A, p.Ser659= (NM_201382.4); c.1989G>A, p.Ser663= (NM_201383.3).
Identifiers: ClinVar variation 2924043 (VCV002924043.3), dbSNP rs536284705, ClinGen allele CA4927767.